The following is an entry in ClinVar:

ClinVar aggregate classification (germline): Benign/Likely benign. Review status: criteria provided, multiple submitters, no conflicts (2 of 4 stars). 7 submissions from 7 submitters: Benign (4); Likely benign (3). Last evaluated 2026-01-28.

Conditions:
DNM2-related disorder. Also called: DNM2-related condition.
Inborn genetic diseases. Identifiers: MedGen C0950123, MeSH D030342.
Charcot-Marie-Tooth disease dominant intermediate B (CMTDIB). Also called: CHARCOT-MARIE-TOOTH NEUROPATHY, DOMINANT INTERMEDIATE B; Charcot-Marie-Tooth disease dominant intermediate 1; CMT DI1; Charcot-Marie-Tooth disease dominant intermediate I. Identifiers: Orphanet 100044, Orphanet 228179, MedGen C1847902, MONDO:0011674, OMIM 606482.

Allele frequency attached by ClinVar (database versions not stated): ExAC 0.00023; gnomAD exomes 0.00024; 1000 Genomes Project 30x 0.00062; ESP Exome Variant Server 0.00062; 1000 Genomes Project 0.00080; gnomAD 0.00105 and 0.00113; TOPMed 0.00134.
gnomAD v4.1: 345 of 1,613,654 alleles (0.021%); highest among the groups gnomAD compares: African/African-American, 0.31%; no homozygotes.

Submissions (7):

Labcorp Genetics (formerly Invitae), Labcorp
Classification: Benign for Charcot-Marie-Tooth disease dominant intermediate B. Last evaluated: 2026-01-28. Review status: criteria provided, single submitter. Criteria: Invitae Variant Classification Sherloc (09022015). Collection method: clinical testing. Allele origin: germline.

ARUP Laboratories, Molecular Genetics and Genomics, ARUP Laboratories
Classification: Benign. Last evaluated: 2025-07-09. Review status: criteria provided, single submitter. Criteria: ARUP Molecular Germline Variant Investigation Process 2024. Collection method: clinical testing. Allele origin: germline.

Women's Health and Genetics/Laboratory Corporation of America, LabCorp
Classification: Benign. Last evaluated: 2025-05-06. Review status: criteria provided, single submitter. Criteria: LabCorp Variant Classification Summary - May 2015. Collection method: clinical testing. Allele origin: germline.

PreventionGenetics, part of Exact Sciences
Classification: Likely benign for DNM2-related condition. Last evaluated: 2025-03-13. Review status: criteria provided, single submitter. Criteria: ACMG Guidelines, 2015. Collection method: clinical testing. Allele origin: germline.
Comment: This variant is classified as likely benign based on ACMG/AMP sequence variant interpretation guidelines (Richards et al. 2015 PMID: 25741868, with internal and published modifications).

Athena Diagnostics
Classification: Benign. Last evaluated: 2021-05-20. Review status: criteria provided, single submitter. Criteria: Athena Diagnostics criteria. Collection method: clinical testing. Allele origin: unknown.

Ambry Genetics
Classification: Likely benign for Inborn genetic diseases. Last evaluated: 2020-01-08. Review status: criteria provided, single submitter. Criteria: Ambry Variant Classification Scheme 2023. Collection method: clinical testing. Allele origin: germline.

GeneDx
Classification: Likely benign. Last evaluated: 2020-01-03. Review status: criteria provided, single submitter. Criteria: GeneDx Variant Classification Process June 2021. Collection method: clinical testing. Allele origin: germline. Affected: yes.

NM_001005361.3(DNM2):c.1782-5C>T

Gene: DNM2 (dynamin 2; plus strand). Cytogenetic location: 19p13.2.
Variant type: single nucleotide variant.
Coding change: c.1782-5C>T on transcript NM_001005361.3 (MANE Select); 5 bases into the intron before coding-DNA position 1782, C replaced by T.
Molecular consequence: intron variant.
Genome position (GRCh38, 1-based): chr19:10,823,783, C>T. VCF-style: chr19-10823783-C-T. GRCh37 (hg19) VCF-style: chr19-10934459-C-T.
Other names: c.1782-5C>T (NM_001005360.3, NM_001190716.2); c.1770-5C>T (NM_004945.4, NM_001005362.3).
Identifiers: ClinVar variation 388525 (VCV000388525.25), dbSNP rs200103145, ClinGen allele CA9201407.
Genomic context (GRCh38, chr19:10,823,783, plus strand): 5'-CTCGGCAGTCTGCCAGACCCATGGCAGGGTCAAGCTTGTGCCCCTCCTTCCCCACCCCCC[C>T]GCAGAAACGTCTACAAGGACCTGCGGCAGATCGAGCTGGCCTGTGACTCCCAGGAAGACG-3'